The following is an entry in ClinVar:

NM_022124.6(CDH23):c.8947A>T (p.Thr2983Ser)

Gene: CDH23 (cadherin related 23; plus strand). Cytogenetic location: 10q22.1.
Variant type: single nucleotide variant.
Coding change: c.8947A>T on transcript NM_022124.6 (MANE Select); coding-DNA position 8947, A replaced by T.
Protein change: p.Thr2983Ser; replaces threonine 2983 with serine.
Molecular consequence: missense variant.
Genome position (GRCh38, 1-based): chr10:71,810,044, A>T. VCF-style: chr10-71810044-A-T. GRCh37 (hg19) VCF-style: chr10-73569801-A-T.
Other names: c.2227A>T, p.Thr743Ser (NM_001171933.1, NM_001171934.1); short protein forms T2983S, T743S.
Identifiers: ClinVar variation 3903304 (VCV003903304.1).

ClinVar aggregate classification (germline): Uncertain significance (1 of 4 stars; one submission).

gnomAD v4.1: 1 of 1,612,520 alleles (0.000062%); highest among the groups gnomAD compares: Admixed American, 0.0017%; no homozygotes.

Submission:

GeneDx
Classification: Uncertain significance. Last evaluated: 2024-12-10. Review status: criteria provided, single submitter. Criteria: GeneDx Variant Classification Process June 2021. Collection method: clinical testing. Allele origin: germline. Affected: yes.
Comment: Not observed at significant frequency in large population cohorts (gnomAD); In silico analysis supports that this missense variant has a deleterious effect on protein structure/function; Has not been previously published as pathogenic or benign to our knowledge